The following is an entry in ClinVar:

ClinVar aggregate classification (germline): Pathogenic. Review status: criteria provided, multiple submitters, no conflicts (2 of 4 stars). 2 submissions from 2 submitters: Pathogenic (2). Last evaluated 2024-10-04.

Conditions:
Hereditary cancer-predisposing syndrome. Also called: Hereditary neoplastic syndrome; Tumor predisposition; Hereditary Cancer Syndrome; Neoplastic Syndromes, Hereditary. Identifiers: Orphanet 140162, MedGen C0027672, MeSH D009386, MONDO:0015356.
Familial cancer of breast. Also called: BREAST CANCER, FAMILIAL; hereditary breast carcinoma; Hereditary breast cancer. Identifiers: Orphanet 227535, MedGen C0346153, MONDO:0016419, OMIM 114480. Disease mechanism: loss of function.

Submissions (2):

Ambry Genetics
Classification: Pathogenic for Hereditary cancer-predisposing syndrome. Last evaluated: 2024-10-04. Review status: criteria provided, single submitter. Criteria: Ambry Variant Classification Scheme 2023. Collection method: clinical testing. Allele origin: germline.
Comment: The p.W34* pathogenic mutation (also known as c.101G>A), located in coding exon 1 of the BARD1 gene, results from a G to A substitution at nucleotide position 101. This changes the amino acid from a tryptophan to a stop codon within coding exon 1. This variant is considered to be rare based on population cohorts in the Genome Aggregation Database (gnomAD). This alteration is expected to result in loss of function by premature protein truncation or nonsense-mediated mRNA decay. As such, this alteration is interpreted as a disease-causing mutation.

Myriad Genetics, Inc.
Classification: Pathogenic for Familial cancer of breast. Last evaluated: 2023-05-17. Review status: criteria provided, single submitter. Criteria: Myriad Autosomal Dominant, Autosomal Recessive and X-Linked Classification Criteria (2023). Collection method: clinical testing. Allele origin: unknown.
Comment: This variant is considered pathogenic. This variant creates a termination codon and is predicted to result in premature protein truncation.

NM_000465.4(BARD1):c.101G>A (p.Trp34Ter)

Gene: BARD1 (BRCA1 associated RING domain 1; minus strand). Cytogenetic location: 2q35.
Variant type: single nucleotide variant.
Coding change: c.101G>A on transcript NM_000465.4 (MANE Select); coding-DNA position 101, G replaced by A.
Protein change: p.Trp34Ter; replaces tryptophan 34 with a stop codon.
Molecular consequence: nonsense. On other transcripts: non-coding transcript variant (3).
Genome position (GRCh38, 1-based): chr2:214,809,469, C>T on the plus strand (G>A on the coding strand, the complement: BARD1 is on the minus strand). VCF-style: chr2-214809469-C-T. GRCh37 (hg19) VCF-style: chr2-215674193-C-T.
Other names: c.101G>A, p.Trp34Ter (NM_001282543.2, NM_001282545.2, NM_001282548.2 and 1 more transcripts); c.101G>A (NM_000465.2); short protein forms W34*.
Identifiers: ClinVar variation 2584206 (VCV002584206.3), dbSNP rs876659387, ClinGen allele CA350465031.